The following is an entry in ClinVar:

NM_000260.4(MYO7A):c.6247G>A (p.Ala2083Thr)

Gene: MYO7A (myosin VIIA; plus strand). Cytogenetic location: 11q13.5.
Variant type: single nucleotide variant.
Coding change: c.6247G>A on transcript NM_000260.4 (MANE Select); coding-DNA position 6247, G replaced by A.
Protein change: p.Ala2083Thr; replaces alanine 2083 with threonine.
Molecular consequence: missense variant.
Genome position (GRCh38, 1-based): chr11:77,211,830, G>A. VCF-style: chr11-77211830-G-A. GRCh37 (hg19) VCF-style: chr11-76922875-G-A.
Other names: c.6133G>A, p.Ala2045Thr (NM_001127180.2); c.6100G>A, p.Ala2034Thr (NM_001369365.1); short protein forms A2083T, A2045T, A2034T.
Identifiers: ClinVar variation 178496 (VCV000178496.63), dbSNP rs41298759, ClinGen allele CA182438.
Genomic context (GRCh38, chr11:77,211,830, plus strand): 5'-GCAGGCCTGTCCCCAGGACTGAGCCCAGCCCTGACCGCCCTGTCCCCATAGTCCATCGTC[G>A]CCTACTTCAACAAGCACGCAGGGAAGTCCAAGGAGGAGGCCAAGCTGGCCTTCCTGAAGC-3'
Protein context (NP_000251.3, residues 2073-2093): SPDDWKRSIV[Ala2083Thr]YFNKHAGKSK

ClinVar aggregate classification (germline): Conflicting classifications of pathogenicity. Review status: criteria provided, conflicting classifications (1 of 4 stars). 17 submissions from 15 submitters: Uncertain significance (11); Likely benign (5). 1 of the submissions does not count toward it. Last evaluated 2026-07-22.

Conditions:
MYO7A-related disorder. Also called: MYO7A-related disorders.
Inborn genetic diseases. Identifiers: MedGen C0950123, MeSH D030342.
Meniere disease. Also called: Ménière's disease. Identifiers: MedGen C0025281, MONDO:0007972, OMIM 156000.
Autosomal dominant nonsyndromic hearing loss 11. Identifiers: Orphanet 90635, MedGen C1832475, MONDO:0011032, OMIM 601317.
Usher syndrome type 1 (USH1). Also called: RETINITIS PIGMENTOSA AND CONGENITAL DEAFNESS. Identifiers: Orphanet 231169, Orphanet 886, MedGen C1568247, MONDO:0010168, OMIM 276900.
Autosomal recessive nonsyndromic hearing loss 2. Also called: NEUROSENSORY NONSYNDROMIC RECESSIVE DEAFNESS 2; DEAFNESS, AUTOSOMAL RECESSIVE 2. Identifiers: Orphanet 90636, MedGen C1838701, MONDO:0010807, OMIM 600060.
Usher syndrome type 1B (USH1B). Also called: Usher syndrome type IB. Identifiers: MedGen C1848638, MONDO:0700087.
Hearing impairment. Also called: Impaired Hearing. Identifiers: MedGen C1384666, MONDO:0005365, HP:0000365.

Allele frequency attached by ClinVar (database versions not stated): ESP Exome Variant Server 0.00015; 1000 Genomes Project 0.00020; gnomAD 0.00021 and 0.00026; 1000 Genomes Project 30x 0.00031; TOPMed 0.00032; gnomAD exomes 0.00041 and 0.00044; ExAC 0.00042.
gnomAD v4.1: 695 of 1,613,770 alleles (0.043%); highest among the groups gnomAD compares: South Asian, 0.13%; no homozygotes.

Submissions (17):

PreventionGenetics, part of Exact Sciences
Classification: Uncertain significance for MYO7A-related condition. Last evaluated: 2026-07-22. Review status: criteria provided, single submitter. Criteria: ACMG Guidelines, 2015. Collection method: clinical testing. Allele origin: germline.
Comment: The MYO7A c.6247G>A variant is predicted to result in the amino acid substitution p.Ala2083Thr. This variant was reported in an individual with Ménière’s disease (Roman-Naranjo et al. 2021. PubMed ID: 34391192) and in an individual with retinal dystrophy (Table S4, Mihalich et al. 2024. PubMed ID: 38927702). This variant is reported in 0.17% of alleles in individuals of Ashkenazi Jewish descent in gnomAD, including one homozygote. Although we suspect that this variant may be benign, at this time, the clinical significance of this variant is uncertain due to the absence of conclusive functional and genetic evidence.

Women's Health and Genetics/Laboratory Corporation of America, LabCorp
Classification: Likely benign. Last evaluated: 2026-06-18. Review status: criteria provided, single submitter. Criteria: LabCorp Variant Classification Summary - May 2015. Collection method: clinical testing. Allele origin: germline.
Comment: Variant summary: MYO7A c.6247G>A (p.Ala2083Thr) results in a non-conservative amino acid change in the encoded protein sequence. Algorithms developed to predict the effect of missense changes on protein structure and function are either unavailable or do not agree on the potential impact of this missense change. The variant allele was found at a frequency of 0.00041 in 249370 control chromosomes, predominantly at a frequency of 0.0011 within the South Asian subpopulation in the gnomAD database. The observed variant frequency within South Asian control individuals in the gnomAD database exceeds the estimated maximal expected allele frequency for disease-causing variants in MYO7A. c.6247G>A has been observed in at least two heterozygous individual(s) affected with MYO7A-related conditions (Roman_2021, Mihalich_2024) with limited supportive evidence. These reports do not provide unequivocal conclusions about the association of the variant with disease. To our knowledge, no experimental evidence demonstrating an impact on protein function has been reported. The following publications have been ascertained in the context of this evaluation (PMID: 34391192, 38927702). ClinVar contains an entry for this variant (Variation ID: 178496). Based on the evidence outlined above, the variant was classified as likely benign.

Labcorp Genetics (formerly Invitae), Labcorp
Classification: Likely benign. Last evaluated: 2026-01-09. Review status: criteria provided, single submitter. Criteria: Invitae Variant Classification Sherloc (09022015). Collection method: clinical testing. Allele origin: germline.

Blueprint Genetics
Classification: Likely benign. Last evaluated: 2024-10-25. Review status: criteria provided, single submitter. Criteria: ACMG Guidelines, 2015. Collection method: clinical testing. Allele origin: germline.

CeGaT Center for Human Genetics Tuebingen
Classification: Uncertain significance. Last evaluated: 2023-06-01. Review status: criteria provided, single submitter. Criteria: CeGaT Center For Human Genetics Tuebingen Variant Classification Criteria Version 2. Collection method: clinical testing. Allele origin: germline. Affected: yes. Observed: 2 variant alleles.

ARUP Laboratories, Molecular Genetics and Genomics, ARUP Laboratories
Classification: Uncertain significance. Last evaluated: 2022-05-05. Review status: criteria provided, single submitter. Criteria: ARUP Molecular Germline Variant Investigation Process 2021. Collection method: clinical testing. Allele origin: germline.
Comment: The MYO7A c.6247G>A; p.Ala2083Thr variant (rs41298759), to our knowledge, is not reported in the medical literature but is reported in ClinVar (Variation ID: 178496). This variant is found in the Ashkenazi Jewish population with an allele frequency of 0.1% (18/10348 alleles) in the Genome Aggregation Database. The alanine at codon 2083 is moderately conserved, and computational analyses are uncertain whether this variant is neutral or deleterious (REVEL: 0.276). Due to limited information, the clinical significance of the p.Ala2083Thr variant is uncertain at this time.

Ambry Genetics
Classification: Uncertain significance for Inborn genetic diseases. Last evaluated: 2021-08-02. Review status: criteria provided, single submitter. Criteria: Ambry Variant Classification Scheme 2023. Collection method: clinical testing. Allele origin: germline.

Otology & Neurotology- Genomics of vestibular disorders (CTS-495), Jose Antonio López Escámez, Centro Pfizer - Universidad de Granada - Junta de Andalucía de Genómica e Investigación Oncológica (GENYO)
Classification: Uncertain significance for Meniere disease. Last evaluated: 2020-12-14. Review status: criteria provided, single submitter. Criteria: ACMG Guidelines, 2015. Collection method: case-control. Allele origin: germline. Affected: yes. Observed: 2 heterozygotes. Clinical features observed: Sensorineural hearing loss (HP:0000407), Vertigo (HP:0002321), Tinnitus (HP:0000360).

GeneDx
Classification: Uncertain significance. Last evaluated: 2020-09-18. Review status: criteria provided, single submitter. Criteria: GeneDx Variant Classification Process June 2021. Collection method: clinical testing. Allele origin: germline. Affected: yes.
Comment: In silico analysis supports that this missense variant does not alter protein structure/function; Has not been previously published as pathogenic or benign to our knowledge

Cambridge Genomics Laboratory, East Genomic Laboratory Hub, NHS Genomic Medicine Service
Classification: Uncertain significance for Hearing impairment. Last evaluated: 2020-03-31. Review status: criteria provided, single submitter. Criteria: ACGS Best Practice Guidelines for Variant Classification in Rare Disease 2020. Collection method: clinical testing. Allele origin: germline. Affected: yes. Observed: 1 variant allele.

Laboratory for Molecular Medicine, Mass General Brigham Personalized Medicine
Classification: Likely benign. Last evaluated: 2020-01-15. Review status: criteria provided, single submitter. Criteria: LMM Criteria. Collection method: clinical testing. Allele origin: germline. Observed: 2 variant alleles.
Comment: The p.Ala2083Thr variant in MYO7A is classified as likely benign because it has been identified in 0.2% (18/10348) of Ashkenazi Jewish chromosomes by gnomAD, and computational prediction tools and conservation analysis suggest that this variant may not impact the protein. ACMG/AMP criteria applied: BS1_Supporting, BP4.

Fulgent Genetics
Classification: Uncertain significance for Usher syndrome type 1; Autosomal recessive nonsyndromic hearing loss 2; Autosomal dominant nonsyndromic hearing loss 11. Last evaluated: 2018-10-31. Review status: criteria provided, single submitter. Criteria: ACMG Guidelines, 2015. Collection method: clinical testing. Allele origin: unknown.

Victorian Clinical Genetics Services, Murdoch Childrens Research Institute
Classification: Uncertain significance for Autosomal recessive nonsyndromic hearing loss 2. Last evaluated: 2018-06-26. Review status: criteria provided, single submitter. Criteria: ACMG Guidelines, 2015. Collection method: clinical testing. Allele origin: unknown. Affected: yes.
Comment: A heterozygous missense variant, NM_000260.3(MYO7A):c.6247G>A, has been identified in exon 46 of 49 of the MYO7A gene. The variant is predicted to result in a minor amino acid change from alanine to threonine at position 2083 of the protein (NP_000251.3(MYO7A):p.(Ala2083Thr)). The alanine residue at this position has high conservation (100 vertebrates, UCSC), and is located within the FERM functional domain. In silico predictions of pathogenicity for this variant are conflicting (Polyphen, SIFT, CADD, Mutation Taster). The variant is present in the gnomAD database at a frequency of 0.036% (99 heterozygotes, 1 homozygote). The variant has been previously described as a Variant of Unknown Significance (ClinVar, Deafness Variation Database). Based on the information available at the time of curation, this variant has been classified as a VARIANT of UNCERTAIN SIGNIFICANCE (VUS) with LOW CLINICAL RELEVANCE.

Illumina Laboratory Services, Illumina
Classification: Uncertain significance for Usher syndrome type 1. Last evaluated: 2018-01-12. Review status: criteria provided, single submitter. Criteria: ICSL Variant Classification Criteria 13 December 2019. Collection method: clinical testing. Allele origin: germline.

Illumina Laboratory Services, Illumina
Classification: Uncertain significance for Autosomal recessive nonsyndromic hearing loss 2. Last evaluated: 2018-01-12. Review status: criteria provided, single submitter. Criteria: ICSL Variant Classification Criteria 13 December 2019. Collection method: clinical testing. Allele origin: germline.

Illumina Laboratory Services, Illumina
Classification: Likely benign for Autosomal dominant nonsyndromic hearing loss 11. Last evaluated: 2018-01-12. Review status: criteria provided, single submitter. Criteria: ICSL Variant Classification Criteria 13 December 2019. Collection method: clinical testing. Allele origin: germline.
Comment: This variant was observed in the ICSL laboratory as part of a predisposition screen in an ostensibly healthy population. It had not been previously curated by ICSL or reported in the Human Gene Mutation Database (HGMD: prior to June 1st, 2018), and was therefore a candidate for classification through an automated scoring system. Utilizing variant allele frequency, disease prevalence and penetrance estimates, and inheritance mode, an automated score was calculated to assess if this variant is too frequent to cause the disease. Based on the score and internal cut-off values, a variant classified as likely benign is not then subjected to further curation. The score for this variant resulted in a classification of likely benign for this disease.

Natera, Inc.
Classification: Uncertain significance for Usher syndrome type 1B. Last evaluated: 2020-04-17. Review status: no assertion criteria provided. Collection method: clinical testing. Allele origin: germline. Not counted in ClinVar's aggregate classification.

Literature cited by the submitters: PubMed 38927702 (cited by Women's Health and Genetics/Laboratory Corporation of America, LabCorp); PubMed 34391192 (cited by Women's Health and Genetics/Laboratory Corporation of America, LabCorp).